The following is an entry in ClinVar:

ClinVar aggregate classification (germline): Uncertain significance (1 of 4 stars; one submission).

Conditions:
Ichthyosis linearis circumflexa. Identifiers: MedGen C0265962, MONDO:0043106, HP:0025810.

Allele frequency attached by ClinVar (database versions not stated): TOPMed below 0.00001; gnomAD 0.00001 and 0.00002.
gnomAD v4.1: 3 of 1,613,688 alleles (0.00019%); highest among the groups gnomAD compares: Non-Finnish European, 0.00017%; no homozygotes.

Submission:

Labcorp Genetics (formerly Invitae), Labcorp
Classification: Uncertain significance for Ichthyosis linearis circumflexa. Last evaluated: 2020-10-30. Review status: criteria provided, single submitter. Criteria: Invitae Variant Classification Sherloc (09022015). Collection method: clinical testing. Allele origin: germline.
Comment: This sequence change replaces valine with leucine at codon 653 of the SPINK5 protein (p.Val653Leu). The valine residue is highly conserved and there is a small physicochemical difference between valine and leucine. This variant is not present in population databases (ExAC no frequency). In summary, the available evidence is currently insufficient to determine the role of this variant in disease. Therefore, it has been classified as a Variant of Uncertain Significance. Algorithms developed to predict the effect of missense changes on protein structure and function are either unavailable or do not agree on the potential impact of this missense change (SIFT: "Deleterious"; PolyPhen-2: "Probably Damaging"; Align-GVGD: "Class C0"). This variant has not been reported in the literature in individuals with SPINK5-related conditions.

NM_006846.4(SPINK5):c.1957G>C (p.Val653Leu)

Gene: SPINK5 (serine peptidase inhibitor Kazal type 5; plus strand). Cytogenetic location: 5q32.
Variant type: single nucleotide variant.
Coding change: c.1957G>C on transcript NM_006846.4 (MANE Select); coding-DNA position 1957, G replaced by C.
Protein change: p.Val653Leu; replaces valine 653 with leucine.
Molecular consequence: missense variant.
Genome position (GRCh38, 1-based): chr5:148,114,431, G>C. VCF-style: chr5-148114431-G-C. GRCh37 (hg19) VCF-style: chr5-147493994-G-C.
Other names: c.1957G>C, p.Val653Leu (NM_001127698.2, NM_001127699.2); short protein forms V653L.
Identifiers: ClinVar variation 1432885 (VCV001432885.7), dbSNP rs1754031572, ClinGen allele CA361642373.